The following is an entry in ClinVar:

ClinVar aggregate classification (germline): Pathogenic (1 of 4 stars; one submission).

Conditions:
Fanconi anemia (FA). Also called: Fanconi's anemia. Identifiers: Orphanet 84, MedGen C0015625, MeSH D005199, MONDO:0019391.

Submission:

Labcorp Genetics (formerly Invitae), Labcorp
Classification: Pathogenic for Fanconi anemia. Last evaluated: 2022-08-23. Review status: criteria provided, single submitter. Criteria: Invitae Variant Classification Sherloc (09022015). Collection method: clinical testing. Allele origin: germline.
Comment: For these reasons, this variant has been classified as Pathogenic. This variant has not been reported in the literature in individuals affected with FANCM-related conditions. This variant is not present in population databases (gnomAD no frequency). This sequence change creates a premature translational stop signal (p.Lys1352*) in the FANCM gene. It is expected to result in an absent or disrupted protein product. Loss-of-function variants in FANCM are known to be pathogenic (PMID: 29895858, 30075111).

Literature cited by the submitters: PubMed 29895858; PubMed 30075111.

NM_020937.4(FANCM):c.4054A>T (p.Lys1352Ter)

Gene: FANCM (FA complementation group M; plus strand). Cytogenetic location: 14q21.2.
Variant type: single nucleotide variant.
Coding change: c.4054A>T on transcript NM_020937.4 (MANE Select); coding-DNA position 4054, A replaced by T.
Protein change: p.Lys1352Ter; replaces lysine 1352 with a stop codon.
Molecular consequence: nonsense.
Genome position (GRCh38, 1-based): chr14:45,176,808, A>T. VCF-style: chr14-45176808-A-T. GRCh37 (hg19) VCF-style: chr14-45646011-A-T.
Other names: c.3976A>T, p.Lys1326Ter (NM_001308133.2); short protein forms K1352*, K1326*.
Identifiers: ClinVar variation 1898461 (VCV001898461.5), dbSNP rs1888737946, ClinGen allele CA389604108.